The following is an entry in ClinVar:

ClinVar aggregate classification (germline): Conflicting classifications of pathogenicity. Review status: criteria provided, conflicting classifications (1 of 4 stars). 3 submissions from 3 submitters: Uncertain significance (2); Likely benign (1). Last evaluated 2025-05-11.

Conditions:
Inborn genetic diseases. Identifiers: MedGen C0950123, MeSH D030342.

Allele frequency attached by ClinVar (database versions not stated): ExAC 0.00001; gnomAD 0.00001; TOPMed 0.00001; gnomAD exomes 0.00002.
gnomAD v4.1: 13 of 1,613,752 alleles (0.00081%); highest among the groups gnomAD compares: East Asian, 0.0045%; no homozygotes.

Submissions (3):

Labcorp Genetics (formerly Invitae), Labcorp
Classification: Uncertain significance. Last evaluated: 2025-05-11. Review status: criteria provided, single submitter. Criteria: Invitae Variant Classification Sherloc (09022015). Collection method: clinical testing. Allele origin: germline.
Comment: This sequence change replaces arginine, which is basic and polar, with glutamine, which is neutral and polar, at codon 1503 of the SMARCA2 protein (p.Arg1503Gln). This variant is present in population databases (rs763271526, gnomAD 0.01%). This variant has not been reported in the literature in individuals affected with SMARCA2-related conditions. ClinVar contains an entry for this variant (Variation ID: 810349). Invitae Evidence Modeling of protein sequence and biophysical properties (such as structural, functional, and spatial information, amino acid conservation, physicochemical variation, residue mobility, and thermodynamic stability) has been performed for this missense variant. However, the output from this modeling did not meet the statistical confidence thresholds required to predict the impact of this variant on SMARCA2 protein function. In summary, the available evidence is currently insufficient to determine the role of this variant in disease. Therefore, it has been classified as a Variant of Uncertain Significance.

Ambry Genetics
Classification: Likely benign for Inborn genetic diseases. Last evaluated: 2025-02-13. Review status: criteria provided, single submitter. Criteria: Ambry Variant Classification Scheme 2023. Collection method: clinical testing. Allele origin: germline.

CeGaT Center for Human Genetics Tuebingen
Classification: Uncertain significance. Last evaluated: 2018-05-01. Review status: criteria provided, single submitter. Criteria: CeGaT Center For Human Genetics Tuebingen Variant Classification Criteria Version 2. Collection method: clinical testing. Allele origin: germline. Affected: yes. Observed: 1 variant allele.

NM_003070.5(SMARCA2):c.4508G>A (p.Arg1503Gln)

Gene: SMARCA2 (SWI/SNF related BAF chromatin remodeling complex subunit ATPase 2; plus strand). Cytogenetic location: 9p24.3.
Variant type: single nucleotide variant.
Coding change: c.4508G>A on transcript NM_003070.5 (MANE Select); coding-DNA position 4508, G replaced by A.
Protein change: p.Arg1503Gln; replaces arginine 1503 with glutamine.
Molecular consequence: missense variant.
Genome position (GRCh38, 1-based): chr9:2,186,142, G>A. VCF-style: chr9-2186142-G-A. GRCh37 (hg19) VCF-style: chr9-2186142-G-A.
Other names: c.4508G>A, p.Arg1503Gln (NM_001289396.2); c.4280G>A, p.Arg1427Gln (NM_001289397.2); c.482G>A, p.Arg161Gln (NM_001289398.2); c.566G>A, p.Arg189Gln (NM_001289399.2); c.572G>A, p.Arg191Gln (NM_001289400.2); c.4454G>A, p.Arg1485Gln (NM_139045.4); c.4508G>A (NM_003070.3); short protein forms R161Q, R1427Q, R1503Q, R189Q, R1485Q, R191Q.
Identifiers: ClinVar variation 810349 (VCV000810349.44), dbSNP rs763271526, ClinGen allele CA4964201.